The following is an entry in ClinVar:

ClinVar aggregate classification (germline): Uncertain significance. Review status: criteria provided, multiple submitters, no conflicts (2 of 4 stars). 2 submissions from 2 submitters: Uncertain significance (2). Last evaluated 2025-11-09.

Conditions:
Hereditary diffuse gastric adenocarcinoma (HDGC). Also called: DIFFUSE GASTRIC AND LOBULAR BREAST CANCER SYNDROME. Identifiers: Orphanet 26106, MedGen C1708349, MONDO:0007648, OMIM 137215.
Hereditary cancer-predisposing syndrome. Also called: Neoplastic Syndromes, Hereditary; Tumor predisposition; Hereditary Cancer Syndrome; Hereditary neoplastic syndrome. Identifiers: Orphanet 140162, MedGen C0027672, MeSH D009386, MONDO:0015356.

Submissions (2):

Ambry Genetics
Classification: Uncertain significance for Hereditary cancer-predisposing syndrome. Last evaluated: 2025-11-09. Review status: criteria provided, single submitter. Criteria: Ambry Variant Classification Scheme 2023. Collection method: clinical testing. Allele origin: germline.
Comment: The p.V100F variant (also known as c.298G>T), located in coding exon 3 of the CDH1 gene, results from a G to T substitution at nucleotide position 298. The valine at codon 100 is replaced by phenylalanine, an amino acid with highly similar properties. This amino acid position is conserved. In addition, the in silico prediction for this alteration is inconclusive. Based on the available evidence, the clinical significance of this variant remains unclear.

Labcorp Genetics (formerly Invitae), Labcorp
Classification: Uncertain significance for Hereditary diffuse gastric adenocarcinoma. Last evaluated: 2025-09-14. Review status: criteria provided, single submitter. Criteria: Invitae Variant Classification Sherloc (09022015). Collection method: clinical testing. Allele origin: germline.
Comment: This sequence change replaces valine, which is neutral and non-polar, with phenylalanine, which is neutral and non-polar, at codon 100 of the CDH1 protein (p.Val100Phe). This variant is not present in population databases (gnomAD no frequency). This variant has not been reported in the literature in individuals affected with CDH1-related conditions. ClinVar contains an entry for this variant (Variation ID: 568568). An algorithm developed to predict the effect of missense changes on protein structure and function (PolyPhen-2) suggests that this variant is likely to be disruptive. In summary, the available evidence is currently insufficient to determine the role of this variant in disease. Therefore, it has been classified as a Variant of Uncertain Significance.

NM_004360.5(CDH1):c.298G>T (p.Val100Phe)

Gene: CDH1 (cadherin 1; plus strand). Cytogenetic location: 16q22.1.
Variant type: single nucleotide variant.
Coding change: c.298G>T on transcript NM_004360.5 (MANE Select); coding-DNA position 298, G replaced by T.
Protein change: p.Val100Phe; replaces valine 100 with phenylalanine.
Molecular consequence: missense variant. On other transcripts: 5 prime UTR variant (2).
Genome position (GRCh38, 1-based): chr16:68,801,804, G>T. VCF-style: chr16-68801804-G-T. GRCh37 (hg19) VCF-style: chr16-68835707-G-T.
Other names: c.298G>T, p.Val100Phe (NM_001317184.2); c.-1318G>T (NM_001317185.2); c.-1522G>T (NM_001317186.2); c.298G>T (LRG_301t1); short protein forms V100F.
Identifiers: ClinVar variation 568568 (VCV000568568.8), dbSNP rs1064793437, ClinGen allele CA396457336.